The following is an entry in ClinVar:

NM_022114.4(PRDM16):c.1625C>A (p.Thr542Asn)

Gene: PRDM16 (PR/SET domain 16; plus strand). Cytogenetic location: 1p36.32.
Variant type: single nucleotide variant.
Coding change: c.1625C>A on transcript NM_022114.4 (MANE Select); coding-DNA position 1625, C replaced by A.
Protein change: p.Thr542Asn; replaces threonine 542 with asparagine.
Molecular consequence: missense variant.
Genome position (GRCh38, 1-based): chr1:3,411,822, C>A. VCF-style: chr1-3411822-C-A. GRCh37 (hg19) VCF-style: chr1-3328386-C-A.
Other names: c.1625C>A, p.Thr542Asn (NM_199454.3); short protein forms T542N.
Identifiers: ClinVar variation 700242 (VCV000700242.13), dbSNP rs573253046, ClinGen allele CA544236.

ClinVar aggregate classification (germline): Likely benign. Review status: criteria provided, single submitter (1 of 4 stars). 2 submissions from 2 submitters: Likely benign (1). 1 of the submissions does not count toward it. Last evaluated 2025-09-02.

Conditions:
PRDM16-related disorder. Also called: PRDM16-related condition.
Left ventricular noncompaction 8 (LVNC8). Identifiers: Orphanet 154, Orphanet 54260, MedGen C3809288, MONDO:0014152, OMIM 615373.

Allele frequency attached by ClinVar (database versions not stated): gnomAD below 0.00001 and 0.00009; TOPMed 0.00001; 1000 Genomes Project 30x 0.00031; 1000 Genomes Project 0.00040; ExAC 0.00053.
gnomAD v4.1: 328 of 1,611,210 alleles (0.02%); highest among the groups gnomAD compares: South Asian, 0.34%; 4 homozygotes.

Submissions (2):

Labcorp Genetics (formerly Invitae), Labcorp
Classification: Likely benign for Left ventricular noncompaction 8. Last evaluated: 2025-09-02. Review status: criteria provided, single submitter. Criteria: Invitae Variant Classification Sherloc (09022015). Collection method: clinical testing. Allele origin: germline.

PreventionGenetics, part of Exact Sciences
Classification: Likely benign for PRDM16-related condition. Last evaluated: 2020-12-03. Review status: no assertion criteria provided. Collection method: clinical testing. Allele origin: germline. Not counted in ClinVar's aggregate classification.
Comment: This variant is classified as likely benign based on ACMG/AMP sequence variant interpretation guidelines (Richards et al. 2015 PMID: 25741868, with internal and published modifications).